The following is an entry in ClinVar:

NM_005359.6(SMAD4):c.878C>A (p.Pro293His)

Gene: SMAD4 (SMAD family member 4; plus strand). Cytogenetic location: 18q21.2.
Variant type: single nucleotide variant.
Coding change: c.878C>A on transcript NM_005359.6 (MANE Select); coding-DNA position 878, C replaced by A.
Protein change: p.Pro293His; replaces proline 293 with histidine.
Molecular consequence: missense variant. On other transcripts: non-coding transcript variant (2).
Genome position (GRCh38, 1-based): chr18:51,058,430, C>A. VCF-style: chr18-51058430-C-A. GRCh37 (hg19) VCF-style: chr18-48584800-C-A.
Other names: c.878C>A, p.Pro293His (NM_001407041.1, NM_001407042.1, NM_001407043.1); short protein forms P293H.
Identifiers: ClinVar variation 2870288 (VCV002870288.3), dbSNP rs2144429246, ClinGen allele CA402463569.

ClinVar aggregate classification (germline): Uncertain significance (1 of 4 stars; one submission).

Conditions:
Juvenile polyposis syndrome (JPS). Identifiers: Orphanet 2929, MedGen C0345893, MONDO:0017380, OMIM 174900.

Submission:

Labcorp Genetics (formerly Invitae), Labcorp
Classification: Uncertain significance for Juvenile polyposis syndrome. Last evaluated: 2023-11-04. Review status: criteria provided, single submitter. Criteria: Invitae Variant Classification Sherloc (09022015). Collection method: clinical testing. Allele origin: germline.
Comment: This sequence change replaces proline, which is neutral and non-polar, with histidine, which is basic and polar, at codon 293 of the SMAD4 protein (p.Pro293His). This variant is not present in population databases (gnomAD no frequency). This variant has not been reported in the literature in individuals affected with SMAD4-related conditions. Advanced modeling of protein sequence and biophysical properties (such as structural, functional, and spatial information, amino acid conservation, physicochemical variation, residue mobility, and thermodynamic stability) has been performed at Invitae for this missense variant, however the output from this modeling did not meet the statistical confidence thresholds required to predict the impact of this variant on SMAD4 protein function. In summary, the available evidence is currently insufficient to determine the role of this variant in disease. Therefore, it has been classified as a Variant of Uncertain Significance.